The following is an entry in ClinVar:

NM_001382508.1(DROSHA):c.962C>T (p.Ser321Leu)

Gene: DROSHA (drosha ribonuclease III; minus strand). Cytogenetic location: 5p13.3.
Variant type: single nucleotide variant.
Coding change: c.962C>T on transcript NM_001382508.1 (MANE Select); coding-DNA position 962, C replaced by T.
Protein change: p.Ser321Leu; replaces serine 321 with leucine.
Molecular consequence: missense variant. On other transcripts: intron variant (1).
Genome position (GRCh38, 1-based): chr5:31,515,550, G>A on the plus strand (C>T on the coding strand, the complement: DROSHA is on the minus strand). VCF-style: chr5-31515550-G-A. GRCh37 (hg19) VCF-style: chr5-31515657-G-A.
Other names: c.962C>T, p.Ser321Leu (NM_013235.5); c.948-331C>T (NM_001100412.2); short protein forms S321L.
Identifiers: ClinVar variation 3059023 (VCV003059023.2), dbSNP rs55656741, ClinGen allele CA3217807.

ClinVar aggregate classification (germline): Benign (0 of 4 stars; one submission).

Conditions:
DROSHA-related disorder. Also called: DROSHA-related condition.

Allele frequency attached by ClinVar (database versions not stated): 1000 Genomes Project 30x 0.28154; 1000 Genomes Project 0.28195; TOPMed 0.34276; gnomAD 0.36014; ESP Exome Variant Server 0.37141; ExAC 0.43004; gnomAD exomes 0.47207.
gnomAD v4.1: 712,000 of 1,548,624 alleles (46%); highest among the groups gnomAD compares: Non-Finnish European, 50%; 172,082 homozygotes.

Submission:

PreventionGenetics, part of Exact Sciences
Classification: Benign for DROSHA-related condition. Last evaluated: 2019-10-30. Review status: no assertion criteria provided. Collection method: clinical testing. Allele origin: germline.
Comment: This variant is classified as benign based on ACMG/AMP sequence variant interpretation guidelines (Richards et al. 2015 PMID: 25741868, with internal and published modifications).